The following is an entry in ClinVar:

ClinVar aggregate classification (germline): Likely benign. Review status: criteria provided, multiple submitters, no conflicts (2 of 4 stars). 2 submissions from 2 submitters: Likely benign (2). Last evaluated 2026-04-11.

Conditions:
LRP5-related disorder. Also called: LRP5-related condition.

Allele frequency attached by ClinVar (database versions not stated): TOPMed 0.00001; gnomAD 0.00003; ExAC 0.00004; gnomAD exomes 0.00001.
gnomAD v4.1: 17 of 1,614,118 alleles (0.0011%); highest among the groups gnomAD compares: South Asian, 0.0099%; no homozygotes.

Submissions (2):

PreventionGenetics, part of Exact Sciences
Classification: Likely benign for LRP5-related condition. Last evaluated: 2026-04-11. Review status: criteria provided, single submitter. Criteria: ACMG Guidelines, 2015. Collection method: clinical testing. Allele origin: germline.
Comment: This variant is classified as likely benign based on ACMG/AMP sequence variant interpretation guidelines (Richards et al. 2015 PMID: 25741868, with internal and published modifications).

Labcorp Genetics (formerly Invitae), Labcorp
Classification: Likely benign. Last evaluated: 2025-07-13. Review status: criteria provided, single submitter. Criteria: Invitae Variant Classification Sherloc (09022015). Collection method: clinical testing. Allele origin: germline.

NM_002335.4(LRP5):c.3093C>T (p.Ile1031=)

Gene: LRP5 (LDL receptor related protein 5; plus strand). Cytogenetic location: 11q13.2.
Variant type: single nucleotide variant.
Coding change: c.3093C>T on transcript NM_002335.4 (MANE Select); coding-DNA position 3093, C replaced by T.
Protein change: p.Ile1031=; no amino-acid change (isoleucine 1031 retained).
Molecular consequence: synonymous variant.
Genome position (GRCh38, 1-based): chr11:68,423,554, C>T. VCF-style: chr11-68423554-C-T. GRCh37 (hg19) VCF-style: chr11-68191022-C-T.
Other names: c.1350C>T, p.Ile450= (NM_001291902.2); c.3093C>T (NM_002335.3).
Identifiers: ClinVar variation 1919297 (VCV001919297.6), dbSNP rs777524051, ClinGen allele CA6149847.